The following is an entry in ClinVar:

ClinVar aggregate classification (germline): Uncertain significance. Review status: criteria provided, multiple submitters, no conflicts (2 of 4 stars). 3 submissions from 3 submitters: Uncertain significance (3). Last evaluated 2023-12-06.

Conditions:
Inborn genetic diseases. Identifiers: MedGen C0950123, MeSH D030342.
Congenital disorder of glycosylation type 1E (CDG1E). Also called: CONGENITAL DISORDER OF GLYCOSYLATION, TYPE Ie; CDG Ie. Identifiers: Orphanet 79322, MedGen C1837396, MONDO:0012123, OMIM 608799.

Allele frequency attached by ClinVar (database versions not stated): ExAC 0.00013; gnomAD exomes 0.00014; ESP Exome Variant Server 0.00015; gnomAD 0.00015 and 0.00016; TOPMed 0.00019.

Submissions (3):

Labcorp Genetics (formerly Invitae), Labcorp
Classification: Uncertain significance for Congenital disorder of glycosylation type 1E. Last evaluated: 2023-12-06. Review status: criteria provided, single submitter. Criteria: Invitae Variant Classification Sherloc (09022015). Collection method: clinical testing. Allele origin: germline.
Comment: This sequence change replaces threonine, which is neutral and polar, with isoleucine, which is neutral and non-polar, at codon 260 of the DPM1 protein (p.Thr260Ile). This variant is present in population databases (rs146262101, gnomAD 0.07%). This variant has not been reported in the literature in individuals affected with DPM1-related conditions. ClinVar contains an entry for this variant (Variation ID: 338750). An algorithm developed to predict the effect of missense changes on protein structure and function (PolyPhen-2) suggests that this variant is likely to be disruptive. In summary, the available evidence is currently insufficient to determine the role of this variant in disease. Therefore, it has been classified as a Variant of Uncertain Significance.

Ambry Genetics
Classification: Uncertain significance for Inborn genetic diseases. Last evaluated: 2023-11-21. Review status: criteria provided, single submitter. Criteria: Ambry Variant Classification Scheme 2023. Collection method: clinical testing. Allele origin: germline.

Revvity Omics, Revvity
Classification: Uncertain significance for Congenital disorder of glycosylation type 1E. Last evaluated: 2022-07-29. Review status: criteria provided, single submitter. Criteria: ACMG Guidelines, 2015. Collection method: clinical testing. Allele origin: germline.

NM_003859.3(DPM1):c.779C>T (p.Thr260Ile)

Genes: ADNP-AS1 (ADNP antisense RNA 1; plus strand), DPM1 (dolichyl-phosphate mannosyltransferase subunit 1, catalytic; minus strand). Cytogenetic location: 20q13.13.
Variant type: single nucleotide variant.
Coding change: c.779C>T on transcript NM_003859.3 (MANE Select); coding-DNA position 779, C replaced by T.
Protein change: p.Thr260Ile; replaces threonine 260 with isoleucine.
Molecular consequence: missense variant. On other transcripts: non-coding transcript variant (1).
Genome position (GRCh38, 1-based): chr20:50,935,136, G>A on the plus strand (C>T on the coding strand, the complement: DPM1 is on the minus strand). VCF-style: chr20-50935136-G-A. GRCh37 (hg19) VCF-style: chr20-49551673-G-A.
Other names: c.884C>T, p.Thr295Ile (NM_001317034.1); c.860C>T, p.Thr287Ile (NM_001317035.1); c.710C>T, p.Thr237Ile (NM_001317036.1); c.779C>T (NM_003859.2); short protein forms T260I, T295I, T287I, T237I.
Identifiers: ClinVar variation 338750 (VCV000338750.12), dbSNP rs146262101, ClinGen allele CA9908986.